The following is an entry in ClinVar:

NM_001037333.3(CYFIP2):c.2558A>G (p.Asn853Ser)

Gene: CYFIP2 (cytoplasmic FMR1 interacting protein 2; plus strand). Cytogenetic location: 5q33.3.
Variant type: single nucleotide variant.
Coding change: c.2558A>G on transcript NM_001037333.3 (MANE Select); coding-DNA position 2558, A replaced by G.
Protein change: p.Asn853Ser; replaces asparagine 853 with serine.
Molecular consequence: missense variant.
Genome position (GRCh38, 1-based): chr5:157,339,229, A>G. VCF-style: chr5-157339229-A-G. GRCh37 (hg19) VCF-style: chr5-156766237-A-G.
Other names: c.2480A>G, p.Asn827Ser (NM_001291721.2); c.2633A>G, p.Asn878Ser (NM_001291722.2); c.2558A>G, p.Asn853Ser (NM_014376.4); short protein forms N853S, N827S, N878S.
Identifiers: ClinVar variation 1028477 (VCV001028477.1), dbSNP rs1762073906, ClinGen allele CA361972332.

ClinVar aggregate classification (germline): Uncertain significance (1 of 4 stars; one submission).

Conditions:
Developmental and epileptic encephalopathy, 65. Also called: EPILEPTIC ENCEPHALOPATHY, EARLY INFANTILE, 65. Identifiers: MedGen C4693925, MONDO:0033374, OMIM 618008.

Submission:

Baylor Genetics
Classification: Uncertain significance for Developmental and epileptic encephalopathy, 65. Last evaluated: 2019-08-08. Review status: criteria provided, single submitter. Criteria: ACMG Guidelines, 2015. Collection method: clinical testing. Allele origin: unknown. Affected: yes.
Comment: This variant was determined to be of uncertain significance according to ACMG Guidelines, 2015 [PMID:25741868].